The following is an entry in ClinVar:

NM_000179.3(MSH6):c.4015_4023dup (p.Ala1339_Glu1341dup)

Gene: MSH6 (mutS homolog 6; plus strand). Cytogenetic location: 2p16.3.
Variant type: Duplication.
Coding change: c.4015_4023dup on transcript NM_000179.3 (MANE Select); coding-DNA positions 4015 to 4023, 9 bases duplicated (GCTAGTGAA; older notation c.4015_4023dupGCTAGTGAA).
Protein change: p.Ala1339_Glu1341dup.
Molecular consequence: inframe insertion.
Genome position (GRCh38, 1-based): chr2:47,806,792-47,806,800, GCTAGTGAA duplicated. VCF-style (leftmost placement, unchanged base first): chr2-47806791-G-GGCTAGTGAA. GRCh37 (hg19) VCF-style: chr2-48033930-G-GGCTAGTGAA.
Other names: c.4015_4023dupGCTAGTGAA (NM_000179.2); c.3625_3633dup, p.Ala1209_Glu1211dup (NM_001281492.2); c.3109_3117dup, p.Ala1037_Glu1039dup (NM_001281493.2, NM_001281494.2).
Identifiers: ClinVar variation 1040964 (VCV001040964.10), dbSNP rs1670210843, ClinGen allele CA2496054543.

ClinVar aggregate classification (germline): Uncertain significance. Review status: criteria provided, multiple submitters, no conflicts (2 of 4 stars). 2 submissions from 2 submitters: Uncertain significance (2). Last evaluated 2025-07-24.

Conditions:
Hereditary nonpolyposis colorectal neoplasms. Identifiers: MedGen C0009405, MeSH D003123.
Hereditary cancer-predisposing syndrome. Also called: Hereditary Cancer Syndrome; Tumor predisposition; Hereditary neoplastic syndrome; Neoplastic Syndromes, Hereditary. Identifiers: Orphanet 140162, MedGen C0027672, MeSH D009386, MONDO:0015356.

Submissions (2):

Ambry Genetics
Classification: Uncertain significance for Hereditary cancer-predisposing syndrome. Last evaluated: 2025-07-24. Review status: criteria provided, single submitter. Criteria: Ambry Variant Classification Scheme 2023. Collection method: clinical testing. Allele origin: germline.
Comment: The c.4015_4023dupGCTAGTGAA variant (also known as p.A1339_E1341dup), located in coding exon 10 of the MSH6 gene, results from an in-frame duplication of GCTAGTGAA at nucleotide positions 4015 to 4023. This results in the duplication of 3 extra residues (ASE) between codons 1339 and 1341. This amino acid region is well conserved in available vertebrate species. In addition, this variant is predicted to be neutral by in silico analysis (Choi Y et al. PLoS ONE. 2012; 7(10):e46688). Based on the available evidence, the clinical significance of this variant remains unclear.

Labcorp Genetics (formerly Invitae), Labcorp
Classification: Uncertain significance for Hereditary nonpolyposis colorectal neoplasms. Last evaluated: 2020-08-30. Review status: criteria provided, single submitter. Criteria: Invitae Variant Classification Sherloc (09022015). Collection method: clinical testing. Allele origin: germline.
Comment: In summary, the available evidence is currently insufficient to determine the role of this variant in disease. Therefore, it has been classified as a Variant of Uncertain Significance. Experimental studies and prediction algorithms are not available or were not evaluated, and the functional significance of this variant is currently unknown. This variant has not been reported in the literature in individuals with MSH6-related conditions. This variant is not present in population databases (ExAC no frequency). This variant, c.4015_4023dup, results in the insertion of 3 amino acid(s) to the MSH6 protein (p.Ala1339_Glu1341dup), but otherwise preserves the integrity of the reading frame.